The following is an entry in ClinVar:

NM_001035.3(RYR2):c.1249C>T (p.Arg417Ter)

Gene: RYR2 (ryanodine receptor 2; plus strand). Cytogenetic location: 1q43.
Variant type: single nucleotide variant.
Coding change: c.1249C>T on transcript NM_001035.3 (MANE Select); coding-DNA position 1249, C replaced by T.
Protein change: p.Arg417Ter; replaces arginine 417 with a stop codon.
Molecular consequence: nonsense.
Genome position (GRCh38, 1-based): chr1:237,445,479, C>T. VCF-style: chr1-237445479-C-T. GRCh37 (hg19) VCF-style: chr1-237608779-C-T.
Other names: c.1249C>T (NM_001035.2); short protein forms R417*.
Identifiers: ClinVar variation 1016407 (VCV001016407.9), dbSNP rs564822776, ClinGen allele CA39779774.

ClinVar aggregate classification (germline): Uncertain significance. Review status: criteria provided, multiple submitters, no conflicts (2 of 4 stars). 2 submissions from 2 submitters: Uncertain significance (2). Last evaluated 2024-11-19.

Conditions:
Catecholaminergic polymorphic ventricular tachycardia 1. Also called: VENTRICULAR TACHYCARDIA, STRESS-INDUCED POLYMORPHIC 1; VENTRICULAR TACHYCARDIA, CATECHOLAMINERGIC POLYMORPHIC, 1, WITH OR WITHOUT ATRIAL DYSFUNCTION AND/OR DILATED CARDIOMYOPATHY; RYR2-Related Catecholaminergic Polymorphic Ventricular Tachycardia. Identifiers: Orphanet 3286, MedGen C1631597, MONDO:0011484, OMIM 604772.

gnomAD v4.1: 1 of 1,613,684 alleles (0.000062%); highest among the groups gnomAD compares: Non-Finnish European, 0.000085%; no homozygotes.

Submissions (2):

Labcorp Genetics (formerly Invitae), Labcorp
Classification: Uncertain significance for Catecholaminergic polymorphic ventricular tachycardia 1. Last evaluated: 2024-11-19. Review status: criteria provided, single submitter. Criteria: Invitae Variant Classification Sherloc (09022015). Collection method: clinical testing. Allele origin: germline.
Comment: This sequence change creates a premature translational stop signal (p.Arg417*) in the RYR2 gene. It is expected to result in an absent or disrupted protein product. However, the current clinical and genetic evidence is not sufficient to establish whether loss-of-function variants in RYR2 cause disease. This variant is not present in population databases (gnomAD no frequency). This variant has not been reported in the literature in individuals affected with RYR2-related conditions. ClinVar contains an entry for this variant (Variation ID: 1016407). In summary, the available evidence is currently insufficient to determine the role of this variant in disease. Therefore, it has been classified as a Variant of Uncertain Significance.

GeneDx
Classification: Uncertain significance. Last evaluated: 2024-04-25. Review status: criteria provided, single submitter. Criteria: GeneDx Variant Classification Process June 2021. Collection method: clinical testing. Allele origin: germline. Affected: yes.
Comment: Has not been previously published as pathogenic or benign to our knowledge; Not observed at significant frequency in large population cohorts (gnomAD); Nonsense variant predicted to result in protein truncation or nonsense mediated decay in a gene or region of a gene for which loss of function is not a well-established mechanism of disease